The following is an entry in ClinVar:

ClinVar aggregate classification (germline): Pathogenic (1 of 4 stars; one submission).

Conditions:
Early-infantile DEE. Also called: Ohtahara syndrome; Early infantile epileptic encephalopathy with suppression bursts; Early infantile epileptic encephalopathy. Identifiers: Orphanet 1934, MedGen C0393706, MONDO:0800491.

Submission:

Labcorp Genetics (formerly Invitae), Labcorp
Classification: Pathogenic for Early-infantile DEE. Last evaluated: 2025-06-27. Review status: criteria provided, single submitter. Criteria: Invitae Variant Classification Sherloc (09022015). Collection method: clinical testing. Allele origin: germline.
Comment: This sequence change is expected to alter the c-terminus of the KCNQ2 protein (p.Thr857Argfs*71). While this is not anticipated to result in nonsense mediated decay, it is expected to disrupt the last 16 amino acid(s) of the KCNQ2 protein and extend the protein by 54 additional amino acid residues. This variant is not present in population databases (gnomAD no frequency). This variant has not been reported in the literature in individuals affected with KCNQ2-related conditions. ClinVar contains an entry for this variant (Variation ID: 1069909). This variant results in an extension of the KCNQ2 protein. Other variant(s) that result in a similarly extended protein product (p.Gly866Alafs*64) have been determined to be pathogenic (PMID: 10482260, 21937445). This suggests that these extensions are likely to be disease-causing. For these reasons, this variant has been classified as Pathogenic.

Literature cited by the submitters: PubMed 10482260; PubMed 21937445.

NM_172107.4(KCNQ2):c.2568_2574del (p.Thr857fs)

Gene: KCNQ2 (potassium voltage-gated channel subfamily Q member 2; minus strand). Cytogenetic location: 20q13.33.
Variant type: Deletion.
Coding change: c.2568_2574del on transcript NM_172107.4 (MANE Select); coding-DNA positions 2568 to 2574, 7 bases deleted (CACCGGC; older notation c.2568_2574delCACCGGC).
Protein change: p.Thr857fs; shifts the reading frame from threonine 857.
Molecular consequence: frameshift variant.
Genome position (GRCh38, 1-based): chr20:63,406,689-63,406,695, GCCGGTG deleted on the plus strand (CACCGGC on the coding strand, the reverse complement: KCNQ2 is on the minus strand); deleting any 7 consecutive bases within chr20:63,406,689-63,406,699 gives the same sequence; the c. name uses the placement nearest the transcript's 3' end. VCF-style (leftmost placement, unchanged base first): chr20-63406688-CGCCGGTG-C. GRCh37 (hg19) VCF-style: chr20-62038041-CGCCGGTG-C.
Other names: c.2622_2628del, p.Thr875fs (NM_001382235.1); c.2484_2490del, p.Thr829fs (NM_004518.6); c.2514_2520del, p.Thr839fs (NM_172106.3); c.2475_2481del, p.Thr826fs (NM_172108.5); short protein forms T826fs, T829fs, T839fs, T857fs, T875fs.
Identifiers: ClinVar variation 1069909 (VCV001069909.10), dbSNP rs2145481803, ClinGen allele CA2499225797.